The following is an entry in ClinVar:

GRCh38/hg38 22q11.21(chr22:18339130-21086225)x3

Genes: LRRC74B (leucine rich repeat containing 74B; plus strand), LRRC74BNL (LRRC74B N-terminal like; minus strand), LZTR1 (leucine zipper like post translational regulator 1; plus strand), MED15 (mediator complex subunit 15; plus strand), MIR1286 (microRNA 1286; minus strand) and 185 more. Cytogenetic location: 22q11.21.
Variant type: copy number gain.
Change: copy number 3 (three copies instead of two) of chr22:18,339,130-21,086,225 (2.75 Mb, GRCh38 coordinates, 1-based), cytogenetic band 22q11.21.
Identifiers: ClinVar variation 160938 (VCV000160938.1).

ClinVar aggregate classification (germline): Pathogenic (1 of 4 stars; one submission).

Submission:

ISCA site 14
Classification: Pathogenic. Last evaluated: 2011-08-12. Review status: criteria provided, single submitter. Criteria: Kaminsky et al. (Genet Med. 2011). Collection method: clinical testing. Allele origin: de novo. Affected: yes. Observed: 1 variant allele.
Comment: Copy number variation identified through the course of routine clinical cytogenomic testing in postnatal populations. Clinical assertions have been curated as described in Kaminsky et al. 2011.